The following is an entry in ClinVar:

ClinVar aggregate classification (germline): Likely benign (1 of 4 stars; one submission).

Allele frequency attached by ClinVar (database versions not stated): gnomAD 0.01343 and 0.01487; TOPMed 0.01764; 1000 Genomes Project 30x 0.03998; 1000 Genomes Project 0.04054.
gnomAD v4.1: 2,280 of 152,230 alleles (1.5%); highest among the groups gnomAD compares: East Asian, 11%; 57 homozygotes.

Submission:

GeneDx
Classification: Likely benign. Last evaluated: 2018-06-19. Review status: criteria provided, single submitter. Criteria: GeneDx Variant Classification (06012015). Collection method: clinical testing. Allele origin: germline. Affected: yes.
Comment: This variant is considered likely benign or benign based on one or more of the following criteria: it is a conservative change, it occurs at a poorly conserved position in the protein, it is predicted to be benign by multiple in silico algorithms, and/or has population frequency not consistent with disease.

NM_012434.5(SLC17A5):c.613+184C>T

Gene: SLC17A5 (solute carrier family 17 member 5; minus strand). Cytogenetic location: 6q13.
Variant type: single nucleotide variant.
Coding change: c.613+184C>T on transcript NM_012434.5 (MANE Select); 184 bases into the intron after coding-DNA position 613, C replaced by T.
Molecular consequence: intron variant.
Genome position (GRCh38, 1-based): chr6:73,638,228, G>A on the plus strand (C>T on the coding strand, the complement: SLC17A5 is on the minus strand). VCF-style: chr6-73638228-G-A. GRCh37 (hg19) VCF-style: chr6-74347951-G-A.
Identifiers: ClinVar variation 674253 (VCV000674253.1), dbSNP rs16883994, ClinGen allele CA140973570.